The following is an entry in ClinVar:

ClinVar aggregate classification (germline): Pathogenic (1 of 4 stars; one submission).

Conditions:
Hereditary fructosuria. Also called: Hereditary fructose intolerance; Fructose intolerance; ALDOB DEFICIENCY; ALDOLASE B DEFICIENCY; FRUCTOSE-1,6-BISPHOSPHATE ALDOLASE B DEFICIENCY; FRUCTOSE-1-PHOSPHATE ALDOLASE DEFICIENCY. Identifiers: Orphanet 469, MedGen C0016751, MONDO:0009249, OMIM 229600, HP:0005973. Disease mechanism: loss of function.

Submission:

Labcorp Genetics (formerly Invitae), Labcorp
Classification: Pathogenic for Hereditary fructosuria. Last evaluated: 2021-11-05. Review status: criteria provided, single submitter. Criteria: Invitae Variant Classification Sherloc (09022015). Collection method: clinical testing. Allele origin: germline.
Comment: This sequence change creates a premature translational stop signal (p.Glu53Lysfs*3) in the ALDOB gene. It is expected to result in an absent or disrupted protein product. Loss-of-function variants in ALDOB are known to be pathogenic (PMID: 18541450). This variant is not present in population databases (gnomAD no frequency). This variant has not been reported in the literature in individuals affected with ALDOB-related conditions. For these reasons, this variant has been classified as Pathogenic.

Literature cited by the submitters: PubMed 18541450.

NM_000035.4(ALDOB):c.149_155dup (p.Glu53fs)

Gene: ALDOB (aldolase, fructose-bisphosphate B; minus strand). Cytogenetic location: 9q31.1.
Variant type: Duplication.
Coding change: c.149_155dup on transcript NM_000035.4 (MANE Select); coding-DNA positions 149 to 155, 7 bases duplicated (AAAACAC; older notation c.149_155dupAAAACAC).
Protein change: p.Glu53fs; shifts the reading frame from glutamic acid 53.
Molecular consequence: frameshift variant.
Genome position (GRCh38, 1-based): chr9:101,429,924-101,429,930, GTGTTTT duplicated on the plus strand (AAAACAC on the coding strand, the reverse complement: ALDOB is on the minus strand). VCF-style (leftmost placement, unchanged base first): chr9-101429923-A-AGTGTTTT. GRCh37 (hg19) VCF-style: chr9-104192205-A-AGTGTTTT.
Other names: short protein forms E53fs.
Identifiers: ClinVar variation 1438416 (VCV001438416.6), dbSNP rs2118362726, ClinGen allele CA2573143652.